The following is an entry in ClinVar:

NM_003227.4(TFR2):c.651del (p.Lys219fs)

Gene: TFR2 (transferrin receptor 2; minus strand). Cytogenetic location: 7q22.1.
Variant type: Deletion.
Coding change: c.651del on transcript NM_003227.4 (MANE Select); coding-DNA position 651, one base deleted (C; older notation c.651delC).
Protein change: p.Lys219fs; shifts the reading frame from lysine 219.
Molecular consequence: frameshift variant.
Genome position (GRCh38, 1-based): chr7:100,633,304, G deleted on the plus strand (C on the coding strand, the reverse complement: TFR2 is on the minus strand); the first of 2 consecutive G bases (chr7:100,633,304-100,633,305); deleting either gives the same sequence. VCF-style (leftmost placement, unchanged base first): chr7-100633303-CG-C. GRCh37 (hg19) VCF-style: chr7-100230926-CG-C.
Other names: c.138del, p.Lys48fs (NM_001206855.3); c.651del (NM_003227.3); short protein forms K219fs, K48fs.
Identifiers: ClinVar variation 2679148 (VCV002679148.3), dbSNP rs2486134386, ClinGen allele CA2684109653.
Genomic context (GRCh38, chr7:100,633,303, plus strand): 5'-TGGCGCTGTAGGGGCAGTAGACGTCAGGGTCCTCCAGCGGCAGCTGCTCTCCGACCTTCC[CG>C]GCCTCATCGACCCAGTGCAGGGTGTTGGGGTGAGCCCTGGGGAGCGGGGCTGGTGAGCGC-3'

ClinVar aggregate classification (germline): Likely pathogenic. Review status: criteria provided, multiple submitters, no conflicts (2 of 4 stars). 2 submissions from 2 submitters: Likely pathogenic (2). Last evaluated 2025-01-08.

Conditions:
Hemochromatosis type 3 (HFE3). Also called: HEMOCHROMATOSIS DUE TO DEFECT IN TRANSFERRIN RECEPTOR 2; Hereditary hemochromatosis type 3; TFR2-Related Hemochromatosis. Identifiers: Orphanet 225123, MedGen C1858664, MONDO:0011417, OMIM 604250.

Submissions (2):

Natera, Inc.
Classification: Likely pathogenic for Hereditary hemochromatosis type 3. Last evaluated: 2025-01-08. Review status: criteria provided, single submitter. Criteria: Natera Variant Classification Schema (03/2026). Collection method: clinical testing. Allele origin: germline.
Comment: The c.651del variant in TFR2 is a frameshift variant predicted to shift the reading frame beginning at codon 219 and leads to a stop codon 59 codons downstream. This variant is expected to result in nonsense mediated decay, truncation, or a dysfunctional protein product. This variant is rare in the general population with a frequency below the threshold expected for the associated phenotype(s). Given the available evidence, this variant is classified as Likely Pathogenic.

Baylor Genetics
Classification: Likely pathogenic for Hemochromatosis type 3. Last evaluated: 2023-09-24. Review status: criteria provided, single submitter. Criteria: ACMG Guidelines, 2015. Collection method: clinical testing. Allele origin: unknown.